The following is an entry in ClinVar:

ClinVar aggregate classification (germline): Uncertain significance (1 of 4 stars; one submission).

gnomAD v4.1: 1 of 1,613,978 alleles (0.000062%); highest among the groups gnomAD compares: East Asian, 0.0022%; no homozygotes.

Submission:

Labcorp Genetics (formerly Invitae), Labcorp
Classification: Uncertain significance. Last evaluated: 2024-10-19. Review status: criteria provided, single submitter. Criteria: Invitae Variant Classification Sherloc (09022015). Collection method: clinical testing. Allele origin: germline.
Comment: This sequence change replaces glycine, which is neutral and non-polar, with glutamic acid, which is acidic and polar, at codon 2293 of the DNAH9 protein (p.Gly2293Glu). This variant is not present in population databases (gnomAD no frequency). This variant has not been reported in the literature in individuals affected with DNAH9-related conditions. Invitae Evidence Modeling of protein sequence and biophysical properties (such as structural, functional, and spatial information, amino acid conservation, physicochemical variation, residue mobility, and thermodynamic stability) indicates that this missense variant is not expected to disrupt DNAH9 protein function with a negative predictive value of 80%. In summary, the available evidence is currently insufficient to determine the role of this variant in disease. Therefore, it has been classified as a Variant of Uncertain Significance.

NM_001372.4(DNAH9):c.6878G>A (p.Gly2293Glu)

Gene: DNAH9 (dynein axonemal heavy chain 9; plus strand). Cytogenetic location: 17p12.
Variant type: single nucleotide variant.
Coding change: c.6878G>A on transcript NM_001372.4 (MANE Select); coding-DNA position 6878, G replaced by A.
Protein change: p.Gly2293Glu; replaces glycine 2293 with glutamic acid.
Molecular consequence: missense variant.
Genome position (GRCh38, 1-based): chr17:11,757,575, G>A. VCF-style: chr17-11757575-G-A. GRCh37 (hg19) VCF-style: chr17-11660892-G-A.
Other names: short protein forms G2293E.
Identifiers: ClinVar variation 3673145 (VCV003673145.2).